The following is an entry in ClinVar:

NM_003722.5(TP63):c.*1181T>C

Gene: TP63 (tumor protein p63; plus strand). Cytogenetic location: 3q28.
Variant type: single nucleotide variant.
Coding change: c.*1181T>C on transcript NM_003722.5 (MANE Select); 1181 bases downstream of the stop codon, T replaced by C.
Molecular consequence: 3 prime UTR variant.
Genome position (GRCh38, 1-based): chr3:189,895,683, T>C. VCF-style: chr3-189895683-T-C. GRCh37 (hg19) VCF-style: chr3-189613472-T-C.
Other names: c.*1462T>C (NM_001114978.2, NM_001114981.2); c.*1181T>C (NM_001114980.2, NM_001329146.2, NM_001329148.2 and 1 more transcripts); c.*1452T>C (NM_001329144.2, NM_001329145.2, NM_001329149.2 and 1 more transcripts).
Identifiers: ClinVar variation 344409 (VCV000344409.30), dbSNP rs565556454, ClinGen allele CA10615930.
Genomic context (GRCh38, chr3:189,895,683, plus strand): 5'-ATATCTCAATGAACCATAAATTCAACTTTGTAAAAATCTTTTGAAGCATAGATAATATTG[T>C]TTGGTAAATGTTTCTTTTGTTTGGTAAATGTTTCTTTTAAAGACCCTCCTATTCTATAAA-3'

ClinVar aggregate classification (germline): Conflicting classifications of pathogenicity. Review status: criteria provided, conflicting classifications (1 of 4 stars). 4 submissions from 2 submitters: Uncertain significance (3); Benign (1). Last evaluated 2022-08-01.

Conditions:
Orofacial cleft 8. Also called: Cleft lip with or without cleft palate, nonsyndromic, 8. Identifiers: MedGen C1851878, MONDO:0029145, OMIM 618149.
TP63-Related Spectrum Disorders.
Ectrodactyly, ectodermal dysplasia, and cleft lip-palate syndrome 3. Also called: EEC SYNDROME 3; Ectrodactyly, Ectodermal Dysplasia, Cleft Lip/Palate Syndrome 3 (EEC3); Ectrodactyly, Ectodermal Dysplasia, Clefting Syndrome; Ectrodactyly, Ectodermal Dysplasia, Clefting Syndrome Type 3 (EEC3). Identifiers: Orphanet 1896, MedGen C1858562, MONDO:0011428, OMIM 604292.

Allele frequency attached by ClinVar (database versions not stated): 1000 Genomes Project 30x 0.00016; gnomAD 0.00144 and 0.00153; gnomAD exomes 0.00145; TOPMed 0.00158.
gnomAD v4.1: 321 of 228,422 alleles (0.14%); highest among the groups gnomAD compares: Non-Finnish European, 0.24%; 1 homozygote.

Submissions (4):

CeGaT Center for Human Genetics Tuebingen
Classification: Benign. Last evaluated: 2022-08-01. Review status: criteria provided, single submitter. Criteria: CeGaT Center For Human Genetics Tuebingen Variant Classification Criteria Version 2. Collection method: clinical testing. Allele origin: germline. Affected: yes. Observed: 1 variant allele.
Comment: TP63: BS1, BS2

Illumina Laboratory Services, Illumina
Classification: Uncertain significance for Ectrodactyly, ectodermal dysplasia, and cleft lip-palate syndrome 3. Last evaluated: 2018-01-13. Review status: criteria provided, single submitter. Criteria: ICSL Variant Classification Criteria 13 December 2019. Collection method: clinical testing. Allele origin: germline.

Illumina Laboratory Services, Illumina
Classification: Uncertain significance for Orofacial cleft 8. Last evaluated: 2018-01-13. Review status: criteria provided, single submitter. Criteria: ICSL Variant Classification Criteria 13 December 2019. Collection method: clinical testing. Allele origin: germline.

Illumina Laboratory Services, Illumina
Classification: Uncertain significance for TP63-Related Spectrum Disorders. Last evaluated: 2018-01-13. Review status: criteria provided, single submitter. Criteria: ICSL Variant Classification Criteria 13 December 2019. Collection method: clinical testing. Allele origin: germline.